The following is an entry in ClinVar:

NM_004104.5(FASN):c.4154C>T (p.Ser1385Leu)

Gene: FASN (fatty acid synthase; minus strand). Cytogenetic location: 17q25.3.
Variant type: single nucleotide variant.
Coding change: c.4154C>T on transcript NM_004104.5 (MANE Select); coding-DNA position 4154, C replaced by T.
Protein change: p.Ser1385Leu; replaces serine 1385 with leucine.
Molecular consequence: missense variant.
Genome position (GRCh38, 1-based): chr17:82,085,371, G>A on the plus strand (C>T on the coding strand, the complement: FASN is on the minus strand). VCF-style: chr17-82085371-G-A. GRCh37 (hg19) VCF-style: chr17-80043247-G-A.
Other names: short protein forms S1385L.
Identifiers: ClinVar variation 3513105 (VCV003513105.2).
Genomic context (GRCh38, chr17:82,085,371, plus strand): 5'-CGGCGGCACAGGAAGAGCGTGGAGCCGTAGAAGGACTTCTTCAGGCCCACCAGGCGCAGC[G>A]ACACCCTGGAGAAGAGGCTCTCCCACGCGTCCTGTGGGGGCGGTGGTCAGCACCCTGCCC-3'
Protein context (NP_004095.4, residues 1375-1395): DAWESLFSRV[Ser1385Leu]LRLVGLKKSF

ClinVar aggregate classification (germline): Uncertain significance. Review status: criteria provided, multiple submitters, no conflicts (2 of 4 stars). 2 submissions from 2 submitters: Uncertain significance (2). Last evaluated 2025-05-08.

Conditions:
Epileptic encephalopathy. Identifiers: MedGen C0543888, HP:0200134.

Submissions (2):

Labcorp Genetics (formerly Invitae), Labcorp
Classification: Uncertain significance for Epileptic encephalopathy. Last evaluated: 2025-05-08. Review status: criteria provided, single submitter. Criteria: Invitae Variant Classification Sherloc (09022015). Collection method: clinical testing. Allele origin: germline.
Comment: This sequence change replaces serine, which is neutral and polar, with leucine, which is neutral and non-polar, at codon 1385 of the FASN protein (p.Ser1385Leu). This variant is present in population databases (rs770012995, gnomAD 0.01%). This variant has not been reported in the literature in individuals affected with FASN-related conditions. ClinVar contains an entry for this variant (Variation ID: 3513105). An algorithm developed to predict the effect of missense changes on protein structure and function (PolyPhen-2) suggests that this variant is likely to be tolerated. In summary, the available evidence is currently insufficient to determine the role of this variant in disease. Therefore, it has been classified as a Variant of Uncertain Significance.

Ambry Genetics
Classification: Uncertain significance. Last evaluated: 2024-08-26. Review status: criteria provided, single submitter. Criteria: Ambry Variant Classification Scheme 2023. Collection method: clinical testing. Allele origin: germline.